The following is an entry in ClinVar:

ClinVar aggregate classification (germline): Benign. Review status: criteria provided, multiple submitters, no conflicts (2 of 4 stars). 11 submissions from 9 submitters: Benign (7). 4 of the submissions do not count toward it. Last evaluated 2026-02-03.

Conditions:
Arthrogryposis multiplex congenita 3, myogenic type. Also called: ARTHROGRYPOSIS MULTIPLEX CONGENITA, MYOGENIC TYPE. Identifiers: MedGen C5193121, MONDO:0032778, OMIM 618484.
Autosomal recessive ataxia, Beauce type. Also called: Spinocerebellar ataxia, autosomal recessive 8; ATAXIA, RECESSIVE, OF BEAUCE; SYNE1-Related Autosomal Recessive Cerebellar Ataxia; SYNE1 Deficiency. Identifiers: Orphanet 88644, MedGen C1853116, MONDO:0012549, OMIM 610743.
Emery-Dreifuss muscular dystrophy 4, autosomal dominant (EDMD4). Also called: EMERY-DREIFUSS MUSCULAR DYSTROPHY 4 WITH VARIABLE FEATURES. Identifiers: Orphanet 261, MedGen C2751807, MONDO:0013071, OMIM 612998.

Allele frequency attached by ClinVar (database versions not stated): 1000 Genomes Project 30x 0.56121; 1000 Genomes Project 0.56190; gnomAD exomes 0.39511 and 0.43188; ExAC 0.44399; ESP Exome Variant Server 0.48332; TOPMed 0.48773; gnomAD 0.48837.
gnomAD v4.1: 652,059 of 1,612,516 alleles (40%); highest among the groups gnomAD compares: East Asian, 77%; 140,444 homozygotes.

Submissions (11):

Labcorp Genetics (formerly Invitae), Labcorp
Classification: Benign for Emery-Dreifuss muscular dystrophy 4, autosomal dominant; Autosomal recessive ataxia, Beauce type. Last evaluated: 2026-02-03. Review status: criteria provided, single submitter. Criteria: Invitae Variant Classification Sherloc (09022015). Collection method: clinical testing. Allele origin: germline.

Blueprint Genetics
Classification: Benign. Last evaluated: 2024-11-27. Review status: criteria provided, single submitter. Criteria: ACMG Guidelines, 2015. Collection method: clinical testing. Allele origin: germline.

Genome-Nilou Lab
Classification: Benign for Arthrogryposis multiplex congenita 3, myogenic type. Last evaluated: 2021-07-15. Review status: criteria provided, single submitter. Criteria: ACMG Guidelines, 2015. Collection method: clinical testing. Allele origin: germline. Affected: no.

Genome-Nilou Lab
Classification: Benign for Emery-Dreifuss muscular dystrophy 4, autosomal dominant. Last evaluated: 2021-07-15. Review status: criteria provided, single submitter. Criteria: ACMG Guidelines, 2015. Collection method: clinical testing. Allele origin: germline. Affected: no.

Genome-Nilou Lab
Classification: Benign for Autosomal recessive ataxia, Beauce type. Last evaluated: 2021-07-15. Review status: criteria provided, single submitter. Criteria: ACMG Guidelines, 2015. Collection method: clinical testing. Allele origin: germline. Affected: no.

GeneDx
Classification: Benign. Last evaluated: 2016-01-25. Review status: criteria provided, single submitter. Criteria: GeneDx Variant Classification (06012015). Collection method: clinical testing. Allele origin: germline. Affected: yes.
Comment: This variant is considered likely benign or benign based on one or more of the following criteria: it is a conservative change, it occurs at a poorly conserved position in the protein, it is predicted to be benign by multiple in silico algorithms, and/or has population frequency not consistent with disease.

PreventionGenetics, part of Exact Sciences
Classification: Benign. Review status: criteria provided, single submitter. Criteria: ACMG Guidelines, 2015. Collection method: clinical testing. Allele origin: germline.

Clinical Genetics DNA and cytogenetics Diagnostics Lab, Erasmus MC, Erasmus Medical Center
Classification: Benign. Review status: no assertion criteria provided. Collection method: clinical testing. Allele origin: germline. Affected: yes. Study: VKGL Data-share Consensus. Not counted in ClinVar's aggregate classification.

Clinical Genetics, Academic Medical Center
Classification: Benign. Review status: no assertion criteria provided. Collection method: clinical testing. Allele origin: germline. Affected: yes. Study: VKGL Data-share Consensus. Not counted in ClinVar's aggregate classification.

Diagnostic Laboratory, Department of Genetics, University Medical Center Groningen
Classification: Benign. Review status: no assertion criteria provided. Collection method: clinical testing. Allele origin: germline. Affected: yes. Study: VKGL Data-share Consensus. Not counted in ClinVar's aggregate classification.

Joint Genome Diagnostic Labs from Nijmegen and Maastricht, Radboudumc and MUMC+
Classification: Benign. Review status: no assertion criteria provided. Collection method: clinical testing. Allele origin: germline. Affected: yes. Study: VKGL Data-share Consensus. Not counted in ClinVar's aggregate classification.

NM_182961.4(SYNE1):c.8177+20A>T

Gene: SYNE1 (spectrin repeat containing nuclear envelope protein 1; minus strand). Cytogenetic location: 6q25.2.
Variant type: single nucleotide variant.
Coding change: c.8177+20A>T on transcript NM_182961.4 (MANE Select); 20 bases into the intron after coding-DNA position 8177, A replaced by T.
Molecular consequence: intron variant.
Genome position (GRCh38, 1-based): chr6:152,390,260, T>A on the plus strand (A>T on the coding strand, the complement: SYNE1 is on the minus strand). VCF-style: chr6-152390260-T-A. GRCh37 (hg19) VCF-style: chr6-152711395-T-A.
Other names: c.8198+20A>T (NM_033071.5).
Identifiers: ClinVar variation 262201 (VCV000262201.21), dbSNP rs214943, ClinGen allele CA4057602.